The following is an entry in ClinVar:

NM_020975.6(RET):c.3187+2T>C

Gene: RET (ret proto-oncogene; plus strand). Cytogenetic location: 10q11.21.
Variant type: single nucleotide variant.
Coding change: c.3187+2T>C on transcript NM_020975.6 (MANE Select); the canonical splice donor site of the intron after coding-DNA position 3187, T replaced by C.
Molecular consequence: splice donor variant. On other transcripts: synonymous variant (18), intron variant (4).
Genome position (GRCh38, 1-based): chr10:43,126,724, T>C. VCF-style: chr10-43126724-T-C. GRCh37 (hg19) VCF-style: chr10-43622172-T-C.
Other names: c.2427T>C, p.Gly809= (NM_001355216.2); c.3060T>C, p.Gly1020= (NM_001406764.1); c.3054T>C, p.Gly1018= (NM_001406765.1); c.2925T>C, p.Gly975= (NM_001406768.1); c.2901T>C, p.Gly967= (NM_001406770.1); c.2793T>C, p.Gly931= (NM_001406772.1); c.2751T>C, p.Gly917= (NM_001406773.1); c.2664T>C, p.Gly888= (NM_001406774.1); and 24 more.
Identifiers: ClinVar variation 4152782 (VCV004152782.1).

ClinVar aggregate classification (germline): Uncertain significance (1 of 4 stars; one submission).

Conditions:
Hereditary cancer-predisposing syndrome. Also called: Neoplastic Syndromes, Hereditary; Tumor predisposition; Hereditary Cancer Syndrome; Hereditary neoplastic syndrome. Identifiers: Orphanet 140162, MedGen C0027672, MeSH D009386, MONDO:0015356.

Submission:

Ambry Genetics
Classification: Uncertain significance for Hereditary cancer-predisposing syndrome. Last evaluated: 2025-08-20. Review status: criteria provided, single submitter. Criteria: Ambry Variant Classification Scheme 2023. Collection method: clinical testing. Allele origin: germline.
Comment: The c.3187+2T>C intronic variant results from a T to C substitution two nucleotides after coding exon 19 in the RET gene. This alteration occurs at the 3' terminus of the RET gene, is not expected to trigger nonsense-mediated mRNA decay, and only impacts the last 9% of the protein. The exact functional effect of this alteration is unknown. This nucleotide position is highly conserved in available vertebrate species. In silico splice site analysis predicts that this alteration may weaken the native splice donor site. Based on the available evidence, the clinical significance of this variant remains unclear.